The following is an entry in ClinVar:

NM_004304.5(ALK):c.4108C>T (p.Pro1370Ser)

Gene: ALK (ALK receptor tyrosine kinase; minus strand). Cytogenetic location: 2p23.2.
Variant type: single nucleotide variant.
Coding change: c.4108C>T on transcript NM_004304.5 (MANE Select); coding-DNA position 4108, C replaced by T.
Protein change: p.Pro1370Ser; replaces proline 1370 with serine.
Molecular consequence: missense variant.
Genome position (GRCh38, 1-based): chr2:29,196,826, G>A on the plus strand (C>T on the coding strand, the complement: ALK is on the minus strand). VCF-style: chr2-29196826-G-A. GRCh37 (hg19) VCF-style: chr2-29419692-G-A.
Other names: c.904C>T, p.Pro302Ser (NM_001353765.2); short protein forms P1370S, P302S.
Identifiers: ClinVar variation 2881648 (VCV002881648.3), dbSNP rs2148141884, ClinGen allele CA346465223.
Genomic context (GRCh38, chr2:29,196,826, plus strand): 5'-TTACCTGGGTGCAGTATTCAATCCTCTCCAAAATGATGGCAAAGTTGGGCCTGTCTTCAG[G>A]CTGATGTTGCCAGCACTGAGTCATTATCCGGTATCTAAAAGAAGAAGCACATTAATTAAA-3'
Protein context (NP_004295.2, residues 1360-1380): RIMTQCWQHQ[Pro1370Ser]EDRPNFAIIL

ClinVar aggregate classification (germline): Uncertain significance (1 of 4 stars; one submission).

Conditions:
Neuroblastoma, susceptibility to, 3. Also called: ALK-Related Neuroblastic Tumor Susceptibility. Identifiers: Orphanet 635, MedGen C2751681, MONDO:0013083, OMIM 613014.

Submission:

Labcorp Genetics (formerly Invitae), Labcorp
Classification: Uncertain significance for Neuroblastoma, susceptibility to, 3. Last evaluated: 2023-06-04. Review status: criteria provided, single submitter. Criteria: Invitae Variant Classification Sherloc (09022015). Collection method: clinical testing. Allele origin: germline.
Comment: This variant has not been reported in the literature in individuals affected with ALK-related conditions. In summary, the available evidence is currently insufficient to determine the role of this variant in disease. Therefore, it has been classified as a Variant of Uncertain Significance. An algorithm developed to predict the effect of missense changes on protein structure and function (PolyPhen-2) suggests that this variant is likely to be disruptive. This variant is not present in population databases (gnomAD no frequency). This sequence change replaces proline, which is neutral and non-polar, with serine, which is neutral and polar, at codon 1370 of the ALK protein (p.Pro1370Ser).